The following is an entry in ClinVar:

ClinVar aggregate classification (germline): Conflicting classifications of pathogenicity. Review status: criteria provided, conflicting classifications (1 of 4 stars). 2 submissions from 2 submitters: Likely pathogenic (1); Uncertain significance (1). Last evaluated 2023-04-11.

Conditions:
PRPF31-related disorder. Also called: PRPF31-related condition.

Submissions (2):

Labcorp Genetics (formerly Invitae), Labcorp
Classification: Uncertain significance. Last evaluated: 2023-04-11. Review status: criteria provided, single submitter. Criteria: Invitae Variant Classification Sherloc (09022015). Collection method: clinical testing. Allele origin: germline.
Comment: In summary, the available evidence is currently insufficient to determine the role of this variant in disease. Therefore, it has been classified as a Variant of Uncertain Significance. Variants that disrupt the consensus splice site are a relatively common cause of aberrant splicing (PMID: 17576681, 9536098). Algorithms developed to predict the effect of sequence changes on RNA splicing suggest that this variant may disrupt the consensus splice site. This variant has not been reported in the literature in individuals affected with PRPF31-related conditions. This variant is not present in population databases (gnomAD no frequency). This variant results in the deletion of part of exon 13 (c.1373_1374+40del) of the PRPF31 gene. While this variant is not anticipated to result in nonsense mediated decay, it likely alters RNA splicing and results in a disrupted protein product.

Blueprint Genetics
Classification: Likely pathogenic for PRPF31-related disorders. Last evaluated: 2019-11-18. Review status: criteria provided, single submitter. Criteria: ACMG Guidelines, 2015. Collection method: clinical testing. Allele origin: germline. Affected: yes. Observed: 1 variant allele.

Literature cited by the submitters: PubMed 17576681 (cited by Labcorp Genetics (formerly Invitae), Labcorp); PubMed 9536098 (cited by Labcorp Genetics (formerly Invitae), Labcorp).

NM_015629.4(PRPF31):c.1373_1374+40del

Gene: PRPF31 (pre-mRNA processing factor 31; plus strand). Cytogenetic location: 19q13.42.
Variant type: Deletion.
Coding change: c.1373_1374+40del on transcript NM_015629.4 (MANE Select); coding-DNA position 1373 through 40 bases into the intron after coding-DNA position 1374, 42 bases deleted.
Molecular consequence: splice donor variant.
Genome position (GRCh38, 1-based): chr19:54,129,369-54,129,410, 42 bases deleted; deleting any 42 consecutive bases within chr19:54,129,367-54,129,410 gives the same sequence; the c. name uses the placement nearest the transcript's 3' end. GRCh37 (hg19): chr19:54,632,744-54,632,785.
Identifiers: ClinVar variation 2855148 (VCV002855148.4), dbSNP rs2516209081, ClinGen allele CA2739277001.